The following is an entry in ClinVar:

NM_000213.5(ITGB4):c.5027del (p.Val1676fs)

Genes: GALK1 (galactokinase 1; minus strand), ITGB4 (integrin subunit beta 4; plus strand). Cytogenetic location: 17q25.1.
Variant type: Deletion.
Coding change: c.5027del on transcript NM_000213.5 (MANE Select); coding-DNA position 5027, one base deleted (T; older notation c.5027delT).
Protein change: p.Val1676fs; shifts the reading frame from valine 1676.
Molecular consequence: frameshift variant. On other transcripts: intron variant (1).
Genome position (GRCh38, 1-based): chr17:75,756,833, T deleted. VCF-style (leftmost placement, unchanged base first): chr17-75756832-GT-G. GRCh37 (hg19) VCF-style: chr17-73752913-GT-G.
Other names: c.4976del, p.Val1659fs (NM_001005619.2); c.4817del, p.Val1606fs (NM_001005731.3, NM_001321123.2); c.4667del, p.Val1556fs (NM_001438834.1); c.*22+1201del (NM_001381985.1); short protein forms V1606fs, V1659fs, V1676fs, V1556fs.
Identifiers: ClinVar variation 2854914 (VCV002854914.3), dbSNP rs2545887560, ClinGen allele CA2739268384.

ClinVar aggregate classification (germline): Pathogenic (1 of 4 stars; one submission).

Submission:

Labcorp Genetics (formerly Invitae), Labcorp
Classification: Pathogenic. Last evaluated: 2023-04-10. Review status: criteria provided, single submitter. Criteria: Invitae Variant Classification Sherloc (09022015). Collection method: clinical testing. Allele origin: germline.
Comment: This variant has not been reported in the literature in individuals affected with ITGB4-related conditions. For these reasons, this variant has been classified as Pathogenic. Algorithms developed to predict the effect of sequence changes on RNA splicing suggest that this variant may disrupt the consensus splice site. This variant is not present in population databases (gnomAD no frequency). This sequence change creates a premature translational stop signal (p.Val1606Glyfs*26) in the ITGB4 gene. It is expected to result in an absent or disrupted protein product. Loss-of-function variants in ITGB4 are known to be pathogenic (PMID: 11328943, 16473856).

Literature cited by the submitters: PubMed 11328943; PubMed 16473856.